The following is an entry in ClinVar:

ClinVar aggregate classification (germline): Uncertain significance (1 of 4 stars; one submission).

Allele frequency attached by ClinVar (database versions not stated): gnomAD exomes below 0.00001.

Submission:

GeneDx
Classification: Uncertain significance. Last evaluated: 2022-06-06. Review status: criteria provided, single submitter. Criteria: GeneDx Variant Classification Process June 2021. Collection method: clinical testing. Allele origin: germline. Affected: yes.
Comment: Not observed at significant frequency in large population cohorts (gnomAD); In silico analysis supports that this missense variant does not alter protein structure/function; Has not been previously published as pathogenic or benign to our knowledge

NM_000515.5(GH1):c.399C>A (p.Asp133Glu)

Genes: GH-LCR (growth hormone locus control region; plus strand), GH1 (growth hormone 1; minus strand). Cytogenetic location: 17q23.3.
Variant type: single nucleotide variant.
Coding change: c.399C>A on transcript NM_000515.5 (MANE Select); coding-DNA position 399, C replaced by A.
Protein change: p.Asp133Glu; replaces aspartic acid 133 with glutamic acid.
Molecular consequence: missense variant.
Genome position (GRCh38, 1-based): chr17:63,917,817, G>T on the plus strand (C>A on the coding strand, the complement: GH1 is on the minus strand). VCF-style: chr17-63917817-G-T. GRCh37 (hg19) VCF-style: chr17-61995177-G-T.
Other names: c.354C>A, p.Asp118Glu (NM_022559.4); c.279C>A, p.Asp93Glu (NM_022560.4); short protein forms D118E, D133E, D93E.
Identifiers: ClinVar variation 1803339 (VCV001803339.1), dbSNP rs2509249912, ClinGen allele CA400611697.